The following is an entry in ClinVar:

ClinVar aggregate classification (germline): Uncertain significance (1 of 4 stars; one submission).

Submission:

Labcorp Genetics (formerly Invitae), Labcorp
Classification: Uncertain significance. Last evaluated: 2025-02-03. Review status: criteria provided, single submitter. Criteria: Invitae Variant Classification Sherloc (09022015). Collection method: clinical testing. Allele origin: germline.
Comment: This sequence change replaces aspartic acid, which is acidic and polar, with asparagine, which is neutral and polar, at codon 7 of the OBSL1 protein (p.Asp7Asn). This variant is not present in population databases (gnomAD no frequency). This variant has not been reported in the literature in individuals affected with OBSL1-related conditions. An algorithm developed to predict the effect of missense changes on protein structure and function (PolyPhen-2) suggests that this variant¬†is likely to be tolerated. In summary, the available evidence is currently insufficient to determine the role of this variant in disease. Therefore, it has been classified as a Variant of Uncertain Significance.

NM_015311.3(OBSL1):c.19G>A (p.Asp7Asn)

Gene: OBSL1 (obscurin like cytoskeletal adaptor 1; minus strand). Cytogenetic location: 2q35.
Variant type: single nucleotide variant.
Coding change: c.19G>A on transcript NM_015311.3 (MANE Select); coding-DNA position 19, G replaced by A.
Protein change: p.Asp7Asn; replaces aspartic acid 7 with asparagine.
Molecular consequence: missense variant.
Genome position (GRCh38, 1-based): chr2:219,571,214, C>T on the plus strand (G>A on the coding strand, the complement: OBSL1 is on the minus strand). VCF-style: chr2-219571214-C-T. GRCh37 (hg19) VCF-style: chr2-220435936-C-T.
Other names: c.19G>A, p.Asp7Asn (NM_001173408.2, NM_001173431.2); short protein forms D7N.
Identifiers: ClinVar variation 3715884 (VCV003715884.1).